The following is an entry in ClinVar:

ClinVar aggregate classification (germline): Uncertain significance (1 of 4 stars; one submission).

gnomAD v4.1: 10 of 1,587,668 alleles (0.00063%); highest among the groups gnomAD compares: Non-Finnish European, 0.00077%; no homozygotes.

Submission:

Ambry Genetics
Classification: Uncertain significance. Last evaluated: 2024-11-22. Review status: criteria provided, single submitter. Criteria: Ambry Variant Classification Scheme 2023. Collection method: clinical testing. Allele origin: germline.
Comment: The p.N1933S variant (also known as c.5798A>G), located in coding exon 23 of the WNK2 gene, results from an A to G substitution at nucleotide position 5798. The asparagine at codon 1933 is replaced by serine, an amino acid with highly similar properties. This amino acid position is conserved. In addition, this alteration is predicted to be tolerated by in silico analysis. Based on the available evidence, the clinical significance of this variant remains unclear.

NM_006648.4(WNK2):c.5798A>G (p.Asn1933Ser)

Gene: WNK2 (WNK lysine deficient protein kinase 2; plus strand). Cytogenetic location: 9q22.31.
Variant type: single nucleotide variant.
Coding change: c.5798A>G on transcript NM_006648.4 (MANE Select); coding-DNA position 5798, A replaced by G.
Protein change: p.Asn1933Ser; replaces asparagine 1933 with serine.
Molecular consequence: missense variant.
Genome position (GRCh38, 1-based): chr9:93,297,942, A>G. VCF-style: chr9-93297942-A-G. GRCh37 (hg19) VCF-style: chr9-96060224-A-G.
Other names: c.5909A>G, p.Asn1970Ser (NM_001282394.3); short protein forms N1933S, N1970S.
Identifiers: ClinVar variation 3333162 (VCV003333162.2).